The following is an entry in ClinVar:

ClinVar aggregate classification (germline): Uncertain significance. Review status: criteria provided, multiple submitters, no conflicts (2 of 4 stars). 2 submissions from 2 submitters: Uncertain significance (2). Last evaluated 2024-10-21.

Conditions:
Hereditary cancer-predisposing syndrome. Also called: Tumor predisposition; Hereditary Cancer Syndrome; Hereditary neoplastic syndrome; Neoplastic Syndromes, Hereditary. Identifiers: Orphanet 140162, MedGen C0027672, MeSH D009386, MONDO:0015356.
Hereditary pheochromocytoma and paraganglioma. Also called: Hereditary paragangliomas and pheochromocytomas; Hereditary Paraganglioma-Pheochromocytoma Syndromes; Hereditary pheochromocytoma-paraganglioma. Identifiers: Orphanet 29072, MedGen C4274332, MONDO:0017366.

Allele frequency attached by ClinVar (database versions not stated): gnomAD exomes below 0.00001.
gnomAD v4.1: 1 of 1,557,408 alleles (0.000064%); highest among the groups gnomAD compares: Non-Finnish European, 0.000086%; no homozygotes.

Submissions (2):

Labcorp Genetics (formerly Invitae), Labcorp
Classification: Uncertain significance for Hereditary pheochromocytoma and paraganglioma. Last evaluated: 2024-10-21. Review status: criteria provided, single submitter. Criteria: Invitae Variant Classification Sherloc (09022015). Collection method: clinical testing. Allele origin: germline.
Comment: This sequence change replaces leucine, which is neutral and non-polar, with proline, which is neutral and non-polar, at codon 31 of the TMEM127 protein (p.Leu31Pro). This variant is not present in population databases (gnomAD no frequency). This variant has not been reported in the literature in individuals affected with TMEM127-related conditions. ClinVar contains an entry for this variant (Variation ID: 1766498). An algorithm developed to predict the effect of missense changes on protein structure and function (PolyPhen-2) suggests that this variant is likely to be disruptive. In summary, the available evidence is currently insufficient to determine the role of this variant in disease. Therefore, it has been classified as a Variant of Uncertain Significance.

Ambry Genetics
Classification: Uncertain significance for Hereditary cancer-predisposing syndrome. Last evaluated: 2023-09-26. Review status: criteria provided, single submitter. Criteria: Ambry Variant Classification Scheme 2023. Collection method: clinical testing. Allele origin: germline.
Comment: The p.L31P variant (also known as c.92T>C), located in coding exon 1 of the TMEM127 gene, results from a T to C substitution at nucleotide position 92. The leucine at codon 31 is replaced by proline, an amino acid with similar properties. This amino acid position is highly conserved in available vertebrate species. In addition, this alteration is predicted to be deleterious by in silico analysis. Since supporting evidence is limited at this time, the clinical significance of this alteration remains unclear.

NM_017849.4(TMEM127):c.92T>C (p.Leu31Pro)

Genes: TMEM127 (transmembrane protein 127; minus strand), LOC129934333 (ATAC-STARR-seq lymphoblastoid silent region 11759; plus strand). Cytogenetic location: 2q11.2.
Variant type: single nucleotide variant.
Coding change: c.92T>C on transcript NM_017849.4 (MANE Select); coding-DNA position 92, T replaced by C.
Protein change: p.Leu31Pro; replaces leucine 31 with proline.
Molecular consequence: missense variant.
Genome position (GRCh38, 1-based): chr2:96,265,290, A>G on the plus strand (T>C on the coding strand, the complement: TMEM127 is on the minus strand). VCF-style: chr2-96265290-A-G. GRCh37 (hg19) VCF-style: chr2-96931028-A-G.
Other names: c.92T>C, p.Leu31Pro (NM_001193304.3); short protein forms L31P.
Identifiers: ClinVar variation 1766498 (VCV001766498.4), dbSNP rs2467285819, ClinGen allele CA347656128.